The following is an entry in ClinVar:

NM_001189.4(NKX3-2):c.179C>T (p.Ala60Val)

Gene: NKX3-2 (NK3 homeobox 2; minus strand). Cytogenetic location: 4p15.33.
Variant type: single nucleotide variant.
Coding change: c.179C>T on transcript NM_001189.4 (MANE Select); coding-DNA position 179, C replaced by T.
Protein change: p.Ala60Val; replaces alanine 60 with valine.
Molecular consequence: missense variant.
Genome position (GRCh38, 1-based): chr4:13,544,236, G>A on the plus strand (C>T on the coding strand, the complement: NKX3-2 is on the minus strand). VCF-style: chr4-13544236-G-A. GRCh37 (hg19) VCF-style: chr4-13545860-G-A.
Other names: short protein forms A60V.
Identifiers: ClinVar variation 193198 (VCV000193198.9), dbSNP rs536700699, ClinGen allele CA238715.

ClinVar aggregate classification (germline): Uncertain significance. Review status: criteria provided, multiple submitters, no conflicts (2 of 4 stars). 3 submissions from 3 submitters: Uncertain significance (3). Last evaluated 2022-07-25.

Conditions:
Connective tissue disorder. Also called: Connective tissue disease. Identifiers: MedGen C0009782, MONDO:0003900.

Allele frequency attached by ClinVar (database versions not stated): ExAC 0.00006; TOPMed 0.00007; gnomAD exomes 0.00008 and 0.00013; 1000 Genomes Project 30x 0.00031; 1000 Genomes Project 0.00040.

Submissions (3):

Labcorp Genetics (formerly Invitae), Labcorp
Classification: Uncertain significance. Last evaluated: 2022-07-25. Review status: criteria provided, single submitter. Criteria: Invitae Variant Classification Sherloc (09022015). Collection method: clinical testing. Allele origin: germline.
Comment: This sequence change replaces alanine, which is neutral and non-polar, with valine, which is neutral and non-polar, at codon 60 of the NKX3-2 protein (p.Ala60Val). This variant is present in population databases (rs536700699, gnomAD 0.01%). This variant has not been reported in the literature in individuals affected with NKX3-2-related conditions. ClinVar contains an entry for this variant (Variation ID: 193198). Algorithms developed to predict the effect of missense changes on protein structure and function are either unavailable or do not agree on the potential impact of this missense change (SIFT: "Deleterious"; PolyPhen-2: "Benign"; Align-GVGD: "Class C0"). Algorithms developed to predict the effect of sequence changes on RNA splicing suggest that this variant may create or strengthen a splice site. In summary, the available evidence is currently insufficient to determine the role of this variant in disease. Therefore, it has been classified as a Variant of Uncertain Significance.

Genome Diagnostics Laboratory, The Hospital for Sick Children
Classification: Uncertain significance for Connective tissue disorder. Last evaluated: 2020-08-24. Review status: criteria provided, single submitter. Criteria: ACMG Guidelines, 2015. Collection method: clinical testing. Allele origin: germline.

Eurofins Ntd Llc (ga)
Classification: Uncertain significance. Last evaluated: 2014-12-16. Review status: criteria provided, single submitter. Criteria: EGL Classification Definitions 2015. Collection method: clinical testing. Allele origin: germline. Observed: 1 variant allele, 1 heterozygote.